The following is an entry in ClinVar:

ClinVar aggregate classification (germline): Uncertain significance (1 of 4 stars; one submission).

Conditions:
Joubert syndrome 14 (JBTS14). Identifiers: MedGen C3280766, MONDO:0013745, OMIM 614424.

Submission:

Labcorp Genetics (formerly Invitae), Labcorp
Classification: Uncertain significance for Joubert syndrome 14. Last evaluated: 2023-10-04. Review status: criteria provided, single submitter. Criteria: Invitae Variant Classification Sherloc (09022015). Collection method: clinical testing. Allele origin: germline.
Comment: This sequence change replaces lysine, which is basic and polar, with threonine, which is neutral and polar, at codon 38 of the TMEM237 protein (p.Lys38Thr). This variant is not present in population databases (gnomAD no frequency). This variant has not been reported in the literature in individuals affected with TMEM237-related conditions. Advanced modeling of protein sequence and biophysical properties (such as structural, functional, and spatial information, amino acid conservation, physicochemical variation, residue mobility, and thermodynamic stability) has been performed at Invitae for this missense variant, however the output from this modeling did not meet the statistical confidence thresholds required to predict the impact of this variant on TMEM237 protein function. In summary, the available evidence is currently insufficient to determine the role of this variant in disease. Therefore, it has been classified as a Variant of Uncertain Significance.

NM_001044385.3(TMEM237):c.113A>C (p.Lys38Thr)

Gene: TMEM237 (transmembrane protein 237; minus strand). Cytogenetic location: 2q33.1.
Variant type: single nucleotide variant.
Coding change: c.113A>C on transcript NM_001044385.3 (MANE Select); coding-DNA position 113, A replaced by C.
Protein change: p.Lys38Thr; replaces lysine 38 with threonine.
Molecular consequence: missense variant.
Genome position (GRCh38, 1-based): chr2:201,639,012, T>G on the plus strand (A>C on the coding strand, the complement: TMEM237 is on the minus strand). VCF-style: chr2-201639012-T-G. GRCh37 (hg19) VCF-style: chr2-202503735-T-G.
Other names: c.89A>C, p.Lys30Thr (NM_152388.4); short protein forms K38T, K30T.
Identifiers: ClinVar variation 2765519 (VCV002765519.3), dbSNP rs2469508938, ClinGen allele CA350316132.